The following is an entry in ClinVar:

ClinVar aggregate classification (germline): Uncertain significance (1 of 4 stars; one submission).

Conditions:
Long QT syndrome (LQTS). Identifiers: MedGen C0023976, MeSH D008133, MONDO:0002442. Disease mechanism: loss of function. Inheritance: Various modes of inheritance.

gnomAD v4.1: 6 of 1,614,096 alleles (0.00037%); highest among the groups gnomAD compares: Non-Finnish European, 0.00051%; no homozygotes.

Submission:

Labcorp Genetics (formerly Invitae), Labcorp
Classification: Uncertain significance for Long QT syndrome. Last evaluated: 2021-12-29. Review status: criteria provided, single submitter. Criteria: Invitae Variant Classification Sherloc (09022015). Collection method: clinical testing. Allele origin: germline.
Comment: In summary, the available evidence is currently insufficient to determine the role of this variant in disease. Therefore, it has been classified as a Variant of Uncertain Significance. Algorithms developed to predict the effect of missense changes on protein structure and function are either unavailable or do not agree on the potential impact of this missense change (SIFT: "Tolerated"; PolyPhen-2: "Probably Damaging"; Align-GVGD: "Class C0"). ClinVar contains an entry for this variant (Variation ID: 1045388). This variant has not been reported in the literature in individuals affected with ANK2-related conditions. This variant is not present in population databases (gnomAD no frequency). This sequence change replaces valine, which is neutral and non-polar, with leucine, which is neutral and non-polar, at codon 3295 of the ANK2 protein (p.Val3295Leu).

NM_001148.6(ANK2):c.9883G>T (p.Val3295Leu)

Gene: ANK2 (ankyrin 2; plus strand). Cytogenetic location: 4q26.
Variant type: single nucleotide variant.
Coding change: c.9883G>T on transcript NM_001148.6 (MANE Select); coding-DNA position 9883, G replaced by T.
Protein change: p.Val3295Leu; replaces valine 3295 with leucine.
Molecular consequence: missense variant. On other transcripts: intron variant (68).
Genome position (GRCh38, 1-based): chr4:113,358,501, G>T. VCF-style: chr4-113358501-G-T. GRCh37 (hg19) VCF-style: chr4-114279657-G-T.
Other names: c.9649G>T, p.Val3217Leu (NM_001386142.1); c.6283G>T, p.Val2095Leu (NM_001386166.1); c.10024G>T, p.Val3342Leu (NM_001386174.1); c.10000G>T, p.Val3334Leu (NM_001386175.1); c.4412-2322G>T (NM_001386186.2, NM_001386148.2); c.4214-2322G>T (NM_001354269.3); c.4292-2322G>T (NM_001386187.2); c.4253-2322G>T (NM_001386147.1); and 35 more; short protein forms V3217L, V2095L, V3334L, V3342L, V3295L.
Identifiers: ClinVar variation 1045388 (VCV001045388.5), dbSNP rs2095967063, ClinGen allele CA357939208.